The following is an entry in ClinVar:

ClinVar aggregate classification (germline): Uncertain significance (1 of 4 stars; one submission).

Allele frequency attached by ClinVar (database versions not stated): gnomAD 0.00002; TOPMed 0.00002; gnomAD exomes 0.00004 and 0.00005; ExAC 0.00005; ESP Exome Variant Server 0.00008.
gnomAD v4.1: 72 of 1,613,080 alleles (0.0045%); highest among the groups gnomAD compares: Non-Finnish European, 0.0054%; no homozygotes.

Submission:

Labcorp Genetics (formerly Invitae), Labcorp
Classification: Uncertain significance. Last evaluated: 2024-12-18. Review status: criteria provided, single submitter. Criteria: Invitae Variant Classification Sherloc (09022015). Collection method: clinical testing. Allele origin: germline.
Comment: This sequence change replaces tyrosine, which is neutral and polar, with cysteine, which is neutral and slightly polar, at codon 1331 of the HMCN1 protein (p.Tyr1331Cys). This variant is present in population databases (rs376178458, gnomAD 0.01%). This variant has not been reported in the literature in individuals affected with HMCN1-related conditions. ClinVar contains an entry for this variant (Variation ID: 1488919). An algorithm developed to predict the effect of missense changes on protein structure and function (PolyPhen-2) suggests that this variant is likely to be disruptive. In summary, the available evidence is currently insufficient to determine the role of this variant in disease. Therefore, it has been classified as a Variant of Uncertain Significance.

NM_031935.3(HMCN1):c.3992A>G (p.Tyr1331Cys)

Gene: HMCN1 (hemicentin 1; plus strand). Cytogenetic location: 1q31.1.
Variant type: single nucleotide variant.
Coding change: c.3992A>G on transcript NM_031935.3 (MANE Select); coding-DNA position 3992, A replaced by G.
Protein change: p.Tyr1331Cys; replaces tyrosine 1331 with cysteine.
Molecular consequence: missense variant.
Genome position (GRCh38, 1-based): chr1:186,000,162, A>G. VCF-style: chr1-186000162-A-G. GRCh37 (hg19) VCF-style: chr1-185969294-A-G.
Other names: short protein forms Y1331C.
Identifiers: ClinVar variation 1488919 (VCV001488919.6), dbSNP rs376178458, ClinGen allele CA1291869.
Genomic context (GRCh38, chr1:186,000,162, plus strand): 5'-AGCCTGGCATTTCTATCTTGGAAGATGGCACATTGCTGGTTATTGCTTCTGTTACACCCT[A>G]TGACAATGGGGAGTACATCTGTGTGGCAGTCAATGAAGCTGGAACCACAGAAAGAAAATA-3'
Protein context (NP_114141.2, residues 1321-1341): TLLVIASVTP[Tyr1331Cys]DNGEYICVAV